The following is an entry in ClinVar:

ClinVar aggregate classification (germline): Uncertain significance (1 of 4 stars; one submission).

Submission:

Labcorp Genetics (formerly Invitae), Labcorp
Classification: Uncertain significance. Last evaluated: 2022-02-17. Review status: criteria provided, single submitter. Criteria: Invitae Variant Classification Sherloc (09022015). Collection method: clinical testing. Allele origin: germline.
Comment: This variant results in a copy number gain of the genomic region encompassing exon(s) 1-3 of the KANK1 gene. This region includes the initiator codon of the gene. This copy number gain extends beyond the assayed region for this gene and therefore may encompass additional genes. As the precise location of this event is unknown, it may be in tandem or it may be located elsewhere in the genome. This variant has not been reported in the literature in individuals affected with KANK1-related conditions. In summary, the available evidence is currently insufficient to determine the role of this variant in disease. Therefore, it has been classified as a Variant of Uncertain Significance.

NC_000009.11:g.(?_463497)_(713484_?)dup

Genes: DOCK8 (dedicator of cytokinesis 8; plus strand), KANK1 (KN motif and ankyrin repeat domains 1; plus strand). Cytogenetic location: 9p24.3.
Variant type: Duplication.
Identifiers: ClinVar variation 2426083 (VCV002426083.3).